The following is an entry in ClinVar:

NM_001232.4(CASQ2):c.893A>G (p.Asn298Ser)

Gene: CASQ2 (calsequestrin 2; minus strand). Cytogenetic location: 1p13.1.
Variant type: single nucleotide variant.
Coding change: c.893A>G on transcript NM_001232.4 (MANE Select); coding-DNA position 893, A replaced by G.
Protein change: p.Asn298Ser; replaces asparagine 298 with serine.
Molecular consequence: missense variant.
Genome position (GRCh38, 1-based): chr1:115,705,238, T>C on the plus strand (A>G on the coding strand, the complement: CASQ2 is on the minus strand). VCF-style: chr1-115705238-T-C. GRCh37 (hg19) VCF-style: chr1-116247859-T-C.
Other names: short protein forms N298S.
Identifiers: ClinVar variation 519436 (VCV000519436.20), dbSNP rs548536938, ClinGen allele CA1023702.

ClinVar aggregate classification (germline): Conflicting classifications of pathogenicity. Review status: criteria provided, conflicting classifications (1 of 4 stars). 6 submissions from 6 submitters: Uncertain significance (5); Likely benign (1). Last evaluated 2026-10-15.

Conditions:
Cardiovascular phenotype. Identifiers: MedGen CN230736.
Catecholaminergic polymorphic ventricular tachycardia 2. Also called: CASQ2-Related Catecholaminergic Polymorphic Ventricular Tachycardia; VENTRICULAR TACHYCARDIA, STRESS-INDUCED POLYMORPHIC 2. Identifiers: Orphanet 3286, MedGen C2677794, MONDO:0012762, OMIM 611938.
Catecholaminergic polymorphic ventricular tachycardia 1. Also called: RYR2-Related Catecholaminergic Polymorphic Ventricular Tachycardia; VENTRICULAR TACHYCARDIA, CATECHOLAMINERGIC POLYMORPHIC, 1, WITH OR WITHOUT ATRIAL DYSFUNCTION AND/OR DILATED CARDIOMYOPATHY; VENTRICULAR TACHYCARDIA, STRESS-INDUCED POLYMORPHIC 1. Identifiers: Orphanet 3286, MedGen C1631597, MONDO:0011484, OMIM 604772.

Allele frequency attached by ClinVar (database versions not stated): gnomAD 0.00002 and 0.00005; gnomAD exomes 0.00004 and 0.00001; ExAC 0.00007; TOPMed 0.00003; 1000 Genomes Project 30x 0.00047; 1000 Genomes Project 0.00060.
gnomAD v4.1: 26 of 1,614,030 alleles (0.0016%); highest among the groups gnomAD compares: East Asian, 0.031%; no homozygotes.

Submissions (6):

GeneDx
Classification: Uncertain significance. Last evaluated: 2026-10-15. Review status: criteria provided, single submitter. Criteria: GeneDx Variant Classification Process June 2021. Collection method: clinical testing. Allele origin: germline.
Comment: In silico analysis supports that this missense variant has a deleterious effect on protein structure/function; Has been observed in an individual with DCM (PMID: 31983221); This variant is associated with the following publications: (PMID: 31983221)

Labcorp Genetics (formerly Invitae), Labcorp
Classification: Uncertain significance for Catecholaminergic polymorphic ventricular tachycardia 1. Last evaluated: 2026-02-02. Review status: criteria provided, single submitter. Criteria: Invitae Variant Classification Sherloc (09022015). Collection method: clinical testing. Allele origin: germline.
Comment: This sequence change replaces asparagine, which is neutral and polar, with serine, which is neutral and polar, at codon 298 of the CASQ2 protein (p.Asn298Ser). This variant is present in population databases (rs548536938, gnomAD 0.02%). This missense change has been observed in individual(s) with dilated cardiomyopathy (PMID: 31983221). ClinVar contains an entry for this variant (Variation ID: 519436). Invitae Evidence Modeling of protein sequence and biophysical properties (such as structural, functional, and spatial information, amino acid conservation, physicochemical variation, residue mobility, and thermodynamic stability) indicates that this missense variant is not expected to disrupt CASQ2 protein function with a negative predictive value of 80%. In summary, the available evidence is currently insufficient to determine the role of this variant in disease. Therefore, it has been classified as a Variant of Uncertain Significance.

Blueprint Genetics
Classification: Uncertain significance. Last evaluated: 2024-10-28. Review status: criteria provided, single submitter. Criteria: ACMG Guidelines, 2015. Collection method: clinical testing. Allele origin: germline.

Ambry Genetics
Classification: Likely benign for Cardiovascular phenotype. Last evaluated: 2024-03-27. Review status: criteria provided, single submitter. Criteria: Ambry Variant Classification Scheme 2023. Collection method: clinical testing. Allele origin: germline.

Genome-Nilou Lab
Classification: Uncertain significance for Catecholaminergic polymorphic ventricular tachycardia 2. Last evaluated: 2023-04-11. Review status: criteria provided, single submitter. Criteria: ACMG Guidelines, 2015. Collection method: clinical testing. Allele origin: germline. Affected: no.

Fulgent Genetics
Classification: Uncertain significance for Catecholaminergic polymorphic ventricular tachycardia 1; Catecholaminergic polymorphic ventricular tachycardia 2. Last evaluated: 2021-08-19. Review status: criteria provided, single submitter. Criteria: ACMG Guidelines, 2015. Collection method: clinical testing. Allele origin: unknown.

Literature cited by the submitters: PubMed 31983221 (cited by Labcorp Genetics (formerly Invitae), Labcorp and Ambry Genetics).